The following is an entry in ClinVar:

NM_000551.4(VHL):c.340+650A>T

Genes: VHL (von Hippel-Lindau tumor suppressor; plus strand), LOC107303340 (3p25 von Hippel-Lindau tumor suppressor, E3 ubiquitin protein ligase Alu-mediated recombination region; plus strand). Cytogenetic location: 3p25.3.
Variant type: single nucleotide variant.
Coding change: c.340+650A>T on transcript NM_000551.4 (MANE Select); 650 bases into the intron after coding-DNA position 340, A replaced by T.
Molecular consequence: intron variant. On other transcripts: missense variant (1).
Genome position (GRCh38, 1-based): chr3:10,142,837, A>T. VCF-style: chr3-10142837-A-T. GRCh37 (hg19) VCF-style: chr3-10184521-A-T.
Other names: c.415A>T, p.Thr139Ser (NM_001354723.2); c.340+650A>T (NM_198156.3); short protein forms T139S.
Identifiers: ClinVar variation 1468894 (VCV001468894.8), dbSNP rs2125125925, ClinGen allele CA2573136105.

ClinVar aggregate classification (germline): Uncertain significance (1 of 4 stars; one submission).

Conditions:
Von Hippel-Lindau syndrome (VHLS). Also called: Von Hippel-Lindau; von Hippel–Lindau syndrome; VHL syndrome. Identifiers: Orphanet 892, MedGen C0019562, MONDO:0008667, OMIM 193300. Disease mechanism: loss of function.
Chuvash polycythemia. Also called: POLYCYTHEMIA, VHL-DEPENDENT. Identifiers: Orphanet 238557, MedGen C1837915, MONDO:0009892, OMIM 263400.

Submission:

Labcorp Genetics (formerly Invitae), Labcorp
Classification: Uncertain significance for Von Hippel-Lindau syndrome; Chuvash polycythemia. Last evaluated: 2021-06-05. Review status: criteria provided, single submitter. Criteria: Invitae Variant Classification Sherloc (09022015). Collection method: clinical testing. Allele origin: germline.
Comment: This sequence change falls in intron 1 of the VHL gene. It is not expected to change the encoded amino acid sequence of the VHL protein. However, this sequence change falls within a cryptic exon in the VHL gene, known as exon E1’, which is naturally expressed at low levels in several human tissues (PMID: 29891534). The frequency data for this variant in the population databases is considered unreliable, as metrics indicate insufficient coverage at this position in the ExAC database. This variant has not been reported in the literature in individuals with VHL-related conditions. Experimental studies and prediction algorithms are not available or were not evaluated, and the functional significance of this variant is currently unknown. In summary, the available evidence is currently insufficient to determine the role of this variant in disease. Therefore, it has been classified as a Variant of Uncertain Significance.

Literature cited by the submitters: PubMed 29891534.